The following is an entry in ClinVar:

ClinVar aggregate classification (germline): Uncertain significance (1 of 4 stars; one submission).

Submission:

Labcorp Genetics (formerly Invitae), Labcorp
Classification: Uncertain significance. Last evaluated: 2024-04-22. Review status: criteria provided, single submitter. Criteria: Invitae Variant Classification Sherloc (09022015). Collection method: clinical testing. Allele origin: germline.
Comment: This sequence change replaces glycine, which is neutral and non-polar, with valine, which is neutral and non-polar, at codon 476 of the TELO2 protein (p.Gly476Val). This variant is not present in population databases (gnomAD no frequency). This variant has not been reported in the literature in individuals affected with TELO2-related conditions. ClinVar contains an entry for this variant (Variation ID: 2081991). Advanced modeling of protein sequence and biophysical properties (such as structural, functional, and spatial information, amino acid conservation, physicochemical variation, residue mobility, and thermodynamic stability) performed at Invitae indicates that this missense variant is not expected to disrupt TELO2 protein function with a negative predictive value of 80%. In summary, the available evidence is currently insufficient to determine the role of this variant in disease. Therefore, it has been classified as a Variant of Uncertain Significance.

NM_016111.4(TELO2):c.1427G>T (p.Gly476Val)

Gene: TELO2 (telomere maintenance 2; plus strand). Cytogenetic location: 16p13.3.
Variant type: single nucleotide variant.
Coding change: c.1427G>T on transcript NM_016111.4 (MANE Select); coding-DNA position 1427, G replaced by T.
Protein change: p.Gly476Val; replaces glycine 476 with valine.
Molecular consequence: missense variant.
Genome position (GRCh38, 1-based): chr16:1,501,728, G>T. VCF-style: chr16-1501728-G-T. GRCh37 (hg19) VCF-style: chr16-1551729-G-T.
Other names: c.1427G>T, p.Gly476Val (NM_001351846.2); short protein forms G476V.
Identifiers: ClinVar variation 2081991 (VCV002081991.4), dbSNP rs756519824, ClinGen allele CA394214333.
Genomic context (GRCh38, chr16:1,501,728, plus strand): 5'-CCCTCGTTCCAGCCACGGCAGAGCCCCCTGCAGAGACCCCCGCAGAGATCGTGGATGGCG[G>T]CGTCCCCCAAGCACAGCTGGCGGGCTCTGACTCGGACCTGGACAGGTAGGGGCTCTGCCA-3'
Protein context (NP_057195.2, residues 466-486): AETPAEIVDG[Gly476Val]VPQAQLAGSD